The following is an entry in ClinVar:

NM_000500.9(CYP21A2):c.710_719delinsAGGAGGAGAA (p.Ile237_Met240delinsLysGluGluLys)

Genes: CYP21A2 (cytochrome P450 family 21 subfamily A member 2; plus strand), LOC106780800 (CYP21A2 recombination region; plus strand). Cytogenetic location: 6p21.33.
Variant type: Indel.
Coding change: c.710_719delinsAGGAGGAGAA on transcript NM_000500.9 (MANE Select); coding-DNA positions 710 to 719, TCGTGGAGAT replaced by AGGAGGAGAA.
Protein change: p.Ile237_Met240delinsLysGluGluLys.
Molecular consequence: missense variant.
Genome position (GRCh38, 1-based): chr6:32,039,807-32,039,816, TCGTGGAGAT replaced by AGGAGGAGAA. VCF-style: chr6-32039807-TCGTGGAGAT-AGGAGGAGAA. GRCh37 (hg19) VCF-style: chr6-32007584-TCGTGGAGAT-AGGAGGAGAA.
Other names: c.620_629delinsAGGAGGAGAA, p.Ile207_Met210delinsLysGluGluLys (NM_001128590.4); c.305_314delinsAGGAGGAGAA, p.Ile102_Met105delinsLysGluGluLys (NM_001368143.2, NM_001368144.2).
Identifiers: ClinVar variation 4682449 (VCV004682449.1).

ClinVar aggregate classification (germline): Pathogenic (1 of 4 stars; one submission).

Submission:

Athena Diagnostics
Classification: Pathogenic. Last evaluated: 2025-02-21. Review status: criteria provided, single submitter. Criteria: Athena Diagnostics Criteria. Collection method: clinical testing. Allele origin: unknown.
Comment: This variant has not been reported in large, multi-ethnic general populations. This variant has been seen with a single recessive pathogenic variant in the same gene in multiple unrelated individuals with autosomal recessive congenital adrenal hyperplasia (CAH). In some published literature, this variant is referred to as E6 cluster [I236K, V237E, M239K]. Assessment of experimental evidence suggests this variant results in abnormal protein function. (PMID: 15623806) At least one other missense variant at this codon is considered to be pathogenic or likely pathogenic, suggesting this variant may also cause disease.

Literature cited by the submitters: PubMed 32389694; PubMed 20661889; PubMed 15623806; PubMed 24790300; PubMed 24503005.